The following is an entry in ClinVar:

ClinVar aggregate classification (germline): Uncertain significance (1 of 4 stars; one submission).

Conditions:
Medulloblastoma (MDB). Also called: MEDULLOBLASTOMA PREDISPOSITION SYNDROME; Medulloblastoma, somatic. Identifiers: Orphanet 616, MedGen C0025149, MeSH D008527, MONDO:0007959, OMIM 155255, HP:0002885.
Gorlin syndrome. Also called: Nevoid Basal Cell Carcinoma Syndrome; Basal cell nevus syndrome. Identifiers: Orphanet 377, MedGen C0004779, MONDO:0007187.

Submission:

Labcorp Genetics (formerly Invitae), Labcorp
Classification: Uncertain significance for Gorlin syndrome; Medulloblastoma. Last evaluated: 2022-10-03. Review status: criteria provided, single submitter. Criteria: Invitae Variant Classification Sherloc (09022015). Collection method: clinical testing. Allele origin: germline.
Comment: In summary, the available evidence is currently insufficient to determine the role of this variant in disease. Therefore, it has been classified as a Variant of Uncertain Significance. This variant has not been reported in the literature in individuals affected with SUFU-related conditions. This variant results in a copy number gain of the genomic region encompassing exon(s) 1-3 of the SUFU gene. This region includes the initiator codon of the gene. This copy number gain extends beyond the assayed region for this gene and therefore may encompass additional genes. As the precise location of this event is unknown, it may be in tandem or it may be located elsewhere in the genome.

NC_000010.10:g.(?_104262628)_(104309873_?)dup

Gene: SUFU (SUFU negative regulator of hedgehog signaling; plus strand). Cytogenetic location: 10q24.32.
Variant type: Duplication.
Identifiers: ClinVar variation 2426276 (VCV002426276.7).